The following is an entry in ClinVar:

ClinVar aggregate classification (germline): Conflicting classifications of pathogenicity. Review status: criteria provided, conflicting classifications (1 of 4 stars). 2 submissions from 2 submitters: Likely pathogenic (1); Uncertain significance (1). Last evaluated 2025-01-01.

gnomAD v4.1: 2 of 1,614,176 alleles (0.00012%); highest among the groups gnomAD compares: Admixed American, 0.0017%; no homozygotes.

Submissions (2):

CeGaT Center for Human Genetics Tuebingen
Classification: Likely pathogenic. Last evaluated: 2025-01-01. Review status: criteria provided, single submitter. Criteria: CeGaT Center For Human Genetics Tuebingen Variant Classification Criteria Version 2. Collection method: clinical testing. Allele origin: germline. Affected: yes. Observed: 1 variant allele.
Comment: IFT122: PM2, PM3, PP3, PP4

GeneDx
Classification: Uncertain significance. Last evaluated: 2023-07-11. Review status: criteria provided, single submitter. Criteria: GeneDx Variant Classification Process June 2021. Collection method: clinical testing. Allele origin: germline. Affected: yes.
Comment: Not observed at significant frequency in large population cohorts (gnomAD); In silico analysis supports that this missense variant does not alter protein structure/function; This variant is associated with the following publications: (PMID: 26792575)

NM_052989.3(IFT122):c.1171G>C (p.Val391Leu)

Gene: IFT122 (intraflagellar transport 122; plus strand). Cytogenetic location: 3q21.3.
Variant type: single nucleotide variant.
Coding change: c.1171G>C on transcript NM_052989.3 (MANE Select); coding-DNA position 1171, G replaced by C.
Protein change: p.Val391Leu; replaces valine 391 with leucine.
Molecular consequence: missense variant.
Genome position (GRCh38, 1-based): chr3:129,478,039, G>C. VCF-style: chr3-129478039-G-C. GRCh37 (hg19) VCF-style: chr3-129196882-G-C.
Other names: c.1147G>C, p.Val383Leu (NM_001280541.2); c.721G>C, p.Val241Leu (NM_001280545.2); c.544G>C, p.Val182Leu (NM_001280546.2); c.1171G>C, p.Val391Leu (NM_001410808.1, NM_001410809.1); c.994G>C, p.Val332Leu (NM_001410810.1, NM_001410811.1, NM_001410813.1 and 1 more transcripts); c.838G>C, p.Val280Leu (NM_001410815.1, NM_001410817.1, NM_052990.3); c.1324G>C, p.Val442Leu (NM_052985.4); short protein forms V182L, V241L, V280L, V332L, V383L, V391L, V442L.
Identifiers: ClinVar variation 3340230 (VCV003340230.14).
Genomic context (GRCh38, chr3:129,478,039, plus strand): 5'-ACCTCTTGCTAGAACTAGATATTTTTTTCTTTGACAGTTCGGATTAAATGCAAAGAGCTT[G>C]TCAAGAAGATTGCCATCTACAGAAATCGATTGGCTATCCAACTGCCAGAGAAAATCCTCA-3'
Protein context (NP_443715.1, residues 381-401): QKVRIKCKEL[Val391Leu]KKIAIYRNRL